The following is an entry in ClinVar:

ClinVar aggregate classification (germline): Uncertain significance. Review status: criteria provided, multiple submitters, no conflicts (2 of 4 stars). 3 submissions from 3 submitters: Uncertain significance (3). Last evaluated 2025-10-17.

Conditions:
Inborn genetic diseases. Identifiers: MedGen C0950123, MeSH D030342.
Neurodevelopmental disorder with or without seizures and gait abnormalities. Identifiers: MedGen C4693391, MONDO:0060641, OMIM 617864.

gnomAD v4.1: 14 of 1,613,824 alleles (0.00087%); highest among the groups gnomAD compares: East Asian, 0.0067%; no homozygotes.

Submissions (3):

Ambry Genetics
Classification: Uncertain significance for Inborn genetic diseases. Last evaluated: 2025-10-17. Review status: criteria provided, single submitter. Criteria: Ambry Variant Classification Scheme 2023. Collection method: clinical testing. Allele origin: germline.

Laboratorio de Genetica e Diagnostico Molecular, Hospital Israelita Albert Einstein
Classification: Uncertain significance for Neurodevelopmental disorder with or without seizures and gait abnormalities. Last evaluated: 2023-10-11. Review status: criteria provided, single submitter. Criteria: ACMG Guidelines, 2015. Collection method: clinical testing. Allele origin: germline. Affected: yes.
Comment: ACMG classification criteria: PM2 moderate, PP2 supporting

Blueprint Genetics
Classification: Uncertain significance. Last evaluated: 2021-09-24. Review status: criteria provided, single submitter. Criteria: ACMG Guidelines, 2015. Collection method: clinical testing. Allele origin: germline.

NM_000829.4(GRIA4):c.376G>T (p.Gly126Trp)

Genes: GRIA4 (glutamate ionotropic receptor AMPA type subunit 4; plus strand), LOC126861324 (CDK7 strongly-dependent group 2 enhancer GRCh37_chr11:105623830-105625029; plus strand). Cytogenetic location: 11q22.3.
Variant type: single nucleotide variant.
Coding change: c.376G>T on transcript NM_000829.4 (MANE Select); coding-DNA position 376, G replaced by T.
Protein change: p.Gly126Trp; replaces glycine 126 with tryptophan.
Molecular consequence: missense variant. On other transcripts: non-coding transcript variant (1).
Genome position (GRCh38, 1-based): chr11:105,753,109, G>T. VCF-style: chr11-105753109-G-T. GRCh37 (hg19) VCF-style: chr11-105623835-G-T.
Other names: c.376G>T, p.Gly126Trp (NM_001077243.3, NM_001077244.2, NM_001112812.2); short protein forms G126W.
Identifiers: ClinVar variation 2341128 (VCV002341128.5), dbSNP rs558432196, ClinGen allele CA382299144.
Genomic context (GRCh38, chr11:105,753,109, plus strand): 5'-TTGACCTCATTCTGCAGCGCCTTACATATCTCCCTCATCACACCAAGTTTCCCTACTGAG[G>T]GGGAGAGCCAGTTTGTGCTGCAACTAAGACCTTCGTTACGAGGAGCACTCTTGAGTTTGC-3'
Protein context (NP_000820.4, residues 116-136): SLITPSFPTE[Gly126Trp]ESQFVLQLRP